The following is an entry in ClinVar:

ClinVar aggregate classification (germline): Pathogenic (1 of 4 stars; one submission).

Conditions:
Multiple gastrointestinal atresias. Also called: FAMILIAL INTESTINAL POLYATRESIA SYNDROME; Multiple intestinal atresia. Identifiers: Orphanet 2300, MedGen C0220744, MONDO:0009465.

Submission:

Labcorp Genetics (formerly Invitae), Labcorp
Classification: Pathogenic for Multiple gastrointestinal atresias. Last evaluated: 2025-12-14. Review status: criteria provided, single submitter. Criteria: Invitae Variant Classification Sherloc (09022015). Collection method: clinical testing. Allele origin: germline.
Comment: This variant, c.2456_2482del, results in the deletion of 9 amino acid(s) of the TTC7A protein (p.Leu819_Gly827del), but otherwise preserves the integrity of the reading frame. This variant is not present in population databases (gnomAD no frequency). This variant has not been reported in the literature in individuals affected with TTC7A-related conditions. This variant disrupts a region of the TTC7A protein in which other variant(s) (p.Leu823Pro) have been determined to be pathogenic (PMID: 23423984, 23830146). This suggests that this is a clinically significant region of the protein, and that variants that disrupt it are likely to be disease-causing. For these reasons, this variant has been classified as Pathogenic.

Literature cited by the submitters: PubMed 23423984; PubMed 23830146.

NM_020458.4(TTC7A):c.2456_2482del (p.Leu819_Gly827del)

Gene: TTC7A (tetratricopeptide repeat domain 7A; plus strand). Cytogenetic location: 2p21.
Variant type: Deletion.
Coding change: c.2456_2482del on transcript NM_020458.4 (MANE Select); coding-DNA positions 2456 to 2482, 27 bases deleted (TGGGCGAGGTGCTGCAGGCCCAGGGCC).
Protein change: p.Leu819_Gly827del.
Molecular consequence: inframe deletion.
Genome position (GRCh38, 1-based): chr2:47,073,802-47,073,828, TGGGCGAGGTGCTGCAGGCCCAGGGCC deleted; deleting any 27 consecutive bases within chr2:47,073,795-47,073,828 gives the same sequence; the c. name uses the placement nearest the transcript's 3' end. VCF-style (leftmost placement, unchanged base first): chr2-47073794-GCAGGGCCTGGGCGAGGTGCTGCAGGCC-G. GRCh37 (hg19) VCF-style: chr2-47300933-GCAGGGCCTGGGCGAGGTGCTGCAGGCC-G.
Other names: c.2528_2554del, p.Leu843_Gly851del (NM_001288951.2); c.2354_2380del, p.Leu785_Gly793del (NM_001288953.2); c.1394_1420del, p.Leu465_Gly473del (NM_001288955.2).
Identifiers: ClinVar variation 4733179 (VCV004733179.1).
Genomic context (GRCh38, chr2:47,073,794, plus strand): 5'-CTTGGCCCAGAAGGTGCTTCGTGATGCCGTGGAGAGGCAGAGTACGTGCCACGAGGCGTG[GCAGGGCCTGGGCGAGGTGCTGCAGGCC>G]CAGGGCCAGAACGAGGCTGCCGTTGACTGCTTCCTCACCGCCCTTGAGCTGGAGGCCAGC-3'